The following is an entry in ClinVar:

ClinVar aggregate classification (germline): Conflicting classifications of pathogenicity. Review status: criteria provided, conflicting classifications (1 of 4 stars). 3 submissions from 3 submitters: Uncertain significance (1); Likely benign (1). 1 of the submissions does not count toward it. Last evaluated 2025-10-18.

Conditions:
Inborn genetic diseases. Identifiers: MedGen C0950123, MeSH D030342.
Hereditary insensitivity to pain with anhidrosis (CIPA). Also called: HSAN Type IV; INSENSITIVITY TO PAIN, CONGENITAL, WITH ANHIDROSIS; hereditary sensory and autonomic neuropathy type 4; FAMILIAL DYSAUTONOMIA, TYPE II; NEUROPATHY, CONGENITAL SENSORY, WITH ANHIDROSIS; NTRK1 Congenital Insensitivity to Pain with Anhidrosis. Identifiers: Orphanet 642, MedGen C0020074, MONDO:0009746, OMIM 256800.

Allele frequency attached by ClinVar (database versions not stated): gnomAD 0.00002 and 0.00003; TOPMed 0.00006; ExAC 0.00013; gnomAD exomes 0.00015; 1000 Genomes Project 30x 0.00016; 1000 Genomes Project 0.00020.
gnomAD v4.1: 42 of 1,613,946 alleles (0.0026%); highest among the groups gnomAD compares: Admixed American, 0.067%; no homozygotes.

Submissions (3):

Labcorp Genetics (formerly Invitae), Labcorp
Classification: Likely benign for Hereditary insensitivity to pain with anhidrosis. Last evaluated: 2025-10-18. Review status: criteria provided, single submitter. Criteria: Invitae Variant Classification Sherloc (09022015). Collection method: clinical testing. Allele origin: germline.

Ambry Genetics
Classification: Uncertain significance for Inborn genetic diseases. Last evaluated: 2024-11-28. Review status: criteria provided, single submitter. Criteria: Ambry Variant Classification Scheme 2023. Collection method: clinical testing. Allele origin: germline.
Comment: The c.1219G>C (p.E407Q) alteration is located in exon 9 (coding exon 9) of the NTRK1 gene. This alteration results from a G to C substitution at nucleotide position 1219, causing the glutamic acid (E) at amino acid position 407 to be replaced by a glutamine (Q). The p.E407Q alteration is predicted to be tolerated by in silico analysis. Based on insufficient or conflicting evidence, the clinical significance of this alteration remains unclear.

Natera, Inc.
Classification: Uncertain significance for Hereditary insensitivity to pain with anhidrosis. Last evaluated: 2020-03-10. Review status: no assertion criteria provided. Collection method: clinical testing. Allele origin: germline. Not counted in ClinVar's aggregate classification.

NM_002529.4(NTRK1):c.1237G>C (p.Glu413Gln)

Gene: NTRK1 (neurotrophic receptor tyrosine kinase 1; plus strand). Cytogenetic location: 1q23.1.
Variant type: single nucleotide variant.
Coding change: c.1237G>C on transcript NM_002529.4 (MANE Select); coding-DNA position 1237, G replaced by C.
Protein change: p.Glu413Gln; replaces glutamic acid 413 with glutamine.
Molecular consequence: missense variant.
Genome position (GRCh38, 1-based): chr1:156,874,612, G>C. VCF-style: chr1-156874612-G-C. GRCh37 (hg19) VCF-style: chr1-156844404-G-C.
Other names: c.1129G>C, p.Glu377Gln (NM_001007792.1); c.1219G>C, p.Glu407Gln (NM_001012331.2); short protein forms E377Q, E413Q, E407Q.
Identifiers: ClinVar variation 641852 (VCV000641852.15), dbSNP rs199826686, ClinGen allele CA1169251.